The following is an entry in ClinVar:

NM_198253.3(TERT):c.580C>G (p.Arg194Gly)

Gene: TERT (telomerase reverse transcriptase; minus strand). Cytogenetic location: 5p15.33.
Variant type: single nucleotide variant.
Coding change: c.580C>G on transcript NM_198253.3 (MANE Select); coding-DNA position 580, C replaced by G.
Protein change: p.Arg194Gly; replaces arginine 194 with glycine.
Molecular consequence: missense variant. On other transcripts: non-coding transcript variant (2).
Genome position (GRCh38, 1-based): chr5:1,294,306, G>C on the plus strand (C>G on the coding strand, the complement: TERT is on the minus strand). VCF-style: chr5-1294306-G-C. GRCh37 (hg19) VCF-style: chr5-1294421-G-C.
Other names: c.580C>G, p.Arg194Gly (NM_001193376.3, NM_003219.1); short protein forms R194G.
Identifiers: ClinVar variation 2932450 (VCV002932450.4), dbSNP rs1478353801, ClinGen allele CA359057345.

ClinVar aggregate classification (germline): Uncertain significance. Review status: criteria provided, multiple submitters, no conflicts (2 of 4 stars). 2 submissions from 2 submitters: Uncertain significance (2). Last evaluated 2024-07-05.

Conditions:
Idiopathic Pulmonary Fibrosis. Also called: Idiopathic fibrosing alveolitis, chronic form; idiopathic fibrosing alveolitis. Identifiers: Orphanet 2032, MedGen C1800706, MeSH D054990, MONDO:0800504.
Dyskeratosis congenita, autosomal dominant 2. Identifiers: MedGen C3151443, MONDO:0013521, OMIM 613989.
Dyskeratosis congenita. Identifiers: Orphanet 1775, MedGen C0265965, MONDO:0015780.

Submissions (2):

Ambry Genetics
Classification: Uncertain significance for Dyskeratosis congenita. Last evaluated: 2024-07-05. Review status: criteria provided, single submitter. Criteria: Ambry Variant Classification Scheme 2023. Collection method: clinical testing. Allele origin: germline.
Comment: The p.R194G variant (also known as c.580C>G), located in coding exon 2 of the TERT gene, results from a C to G substitution at nucleotide position 580. The arginine at codon 194 is replaced by glycine, an amino acid with dissimilar properties. This amino acid position is conserved. In addition, this alteration is predicted to be tolerated by in silico analysis. Based on the available evidence, the clinical significance of this variant remains unclear.

Labcorp Genetics (formerly Invitae), Labcorp
Classification: Uncertain significance for Dyskeratosis congenita, autosomal dominant 2; Idiopathic Pulmonary Fibrosis. Last evaluated: 2023-03-10. Review status: criteria provided, single submitter. Criteria: Invitae Variant Classification Sherloc (09022015). Collection method: clinical testing. Allele origin: germline.
Comment: This sequence change replaces arginine, which is basic and polar, with glycine, which is neutral and non-polar, at codon 194 of the TERT protein (p.Arg194Gly). This variant is not present in population databases (gnomAD no frequency). This variant has not been reported in the literature in individuals affected with TERT-related conditions. Advanced modeling of protein sequence and biophysical properties (such as structural, functional, and spatial information, amino acid conservation, physicochemical variation, residue mobility, and thermodynamic stability) has been performed at Invitae for this missense variant, however the output from this modeling did not meet the statistical confidence thresholds required to predict the impact of this variant on TERT protein function. In summary, the available evidence is currently insufficient to determine the role of this variant in disease. Therefore, it has been classified as a Variant of Uncertain Significance.